The following is an entry in ClinVar:

NM_152703.5(SAMD9L):c.580G>C (p.Asp194His)

Gene: SAMD9L (sterile alpha motif domain containing 9 like; minus strand). Cytogenetic location: 7q21.2.
Variant type: single nucleotide variant.
Coding change: c.580G>C on transcript NM_152703.5 (MANE Select); coding-DNA position 580, G replaced by C.
Protein change: p.Asp194His; replaces aspartic acid 194 with histidine.
Molecular consequence: missense variant.
Genome position (GRCh38, 1-based): chr7:93,135,392, C>G on the plus strand (G>C on the coding strand, the complement: SAMD9L is on the minus strand). VCF-style: chr7-93135392-C-G. GRCh37 (hg19) VCF-style: chr7-92764705-C-G.
Other names: c.580G>C, p.Asp194His (NM_001303496.3, NM_001303497.3, NM_001303498.3 and 5 more transcripts); short protein forms D194H.
Identifiers: ClinVar variation 3602170 (VCV003602170.1).

ClinVar aggregate classification (germline): Uncertain significance (1 of 4 stars; one submission).

Submission:

GeneDx
Classification: Uncertain significance. Last evaluated: 2024-08-02. Review status: criteria provided, single submitter. Criteria: GeneDx Variant Classification Process June 2021. Collection method: clinical testing. Allele origin: germline. Affected: yes.
Comment: Not observed at significant frequency in large population cohorts (gnomAD); In silico analysis supports that this missense variant has a deleterious effect on protein structure/function; Has not been previously published as pathogenic or benign to our knowledge